The following is an entry in ClinVar:

NM_000051.4(ATM):c.1236-4_1236-3del

Gene: ATM (ATM serine/threonine kinase; plus strand). Cytogenetic location: 11q22.3.
Variant type: Deletion.
Coding change: c.1236-4_1236-3del on transcript NM_000051.4 (MANE Select); 4 bases into the intron before coding-DNA position 1236 through 3 bases into the intron before coding-DNA position 1236, 2 bases deleted (TT; older notation c.1236-4_1236-3delTT).
Molecular consequence: intron variant.
Genome position (GRCh38, 1-based): chr11:108,250,697-108,250,698, TT deleted; deleting any 2 consecutive bases within chr11:108,250,684-108,250,698 gives the same sequence; the c. name uses the placement nearest the transcript's 3' end. VCF-style (leftmost placement, unchanged base first): chr11-108250683-CTT-C. GRCh37 (hg19) VCF-style: chr11-108121410-CTT-C.
Other names: c.1236-4_1236-3delTT (NM_000051.4); c.1236-4_1236-3del (NM_001351834.2); c.1236-17_1236-16delTT (NM_000051.3).
Identifiers: ClinVar variation 1209911 (VCV001209911.17), dbSNP rs34325032, ClinGen allele CA6264784.

ClinVar aggregate classification (germline): Benign/Likely benign. Review status: criteria provided, multiple submitters, no conflicts (2 of 4 stars). 9 submissions from 9 submitters: Benign (4); Likely benign (3). 2 of the submissions do not count toward it. Last evaluated 2025-11-26.

Conditions:
Breast and/or ovarian cancer. Identifiers: MedGen CN221562.
ATM-related cancer predisposition. Also called: ATM-related cancer susceptibility. Identifiers: MedGen CN377759, MONDO:0700270.
Hereditary cancer-predisposing syndrome. Also called: Neoplastic Syndromes, Hereditary; Tumor predisposition; Hereditary Cancer Syndrome; Hereditary neoplastic syndrome. Identifiers: Orphanet 140162, MedGen C0027672, MeSH D009386, MONDO:0015356.
Familial colorectal cancer type X. Identifiers: Orphanet 440437, MedGen C3896578, MONDO:0018604.

Submissions (10):

Dasa
Classification: Likely benign for ATM-related cancer predisposition. Last evaluated: 2025-11-26. Review status: criteria provided, single submitter. Criteria: DASA Assertion Criteria. Collection method: clinical testing. Allele origin: germline.
Comment: NM_000051.4(ATM):c.1236-4_1236-3del is a splice-region variant. Population frequency is inconsistent with a disease-causing role for this variant. Computational prediction algorithms are consistent with a benign effect. Therefore, based on the currently available evidence, this variant is classified as likely benign.

Center for Genomic Medicine, Rigshospitalet, Copenhagen University Hospital
Classification: Benign. Last evaluated: 2025-03-04. Review status: criteria provided, single submitter. Criteria: ACMG Guidelines, 2015. Collection method: clinical testing. Allele origin: germline.

Blueprint Genetics
Classification: Likely benign. Last evaluated: 2024-11-26. Review status: criteria provided, single submitter. Criteria: ACMG Guidelines, 2015. Collection method: clinical testing. Allele origin: germline.

Department of Pathology and Laboratory Medicine, Sinai Health System
Classification: Likely benign for Familial colorectal cancer type X. Last evaluated: 2024-09-30. Review status: criteria provided, single submitter. Criteria: ACMG Guidelines, 2015. Collection method: clinical testing. Allele origin: germline. Affected: yes.

Sema4
Classification: Benign for Hereditary cancer-predisposing syndrome. Last evaluated: 2021-05-30. Review status: criteria provided, single submitter. Criteria: Sema4 Curation Guidelines. Collection method: curation. Allele origin: germline.

CHEO Genetics Diagnostic Laboratory, Children's Hospital of Eastern Ontario
Classification: Benign for Breast and/or ovarian cancer. Last evaluated: 2021-04-27. Review status: criteria provided, single submitter. Criteria: ACMG Guidelines, 2015. Collection method: clinical testing. Allele origin: germline.

Ambry Genetics
Classification: Benign for Hereditary cancer-predisposing syndrome. Last evaluated: 2020-07-06. Review status: criteria provided, single submitter. Criteria: Ambry Variant Classification Scheme 2023. Collection method: clinical testing. Allele origin: germline.

Clinical Genetics, Academic Medical Center
Classification: Likely benign. Review status: no assertion criteria provided. Collection method: clinical testing. Allele origin: germline. Affected: yes. Study: VKGL Data-share Consensus. Not counted in ClinVar's aggregate classification.

Dr. Peter K. Rogan Lab, Western University
No classification provided (evidence only). Condition: Uterine corpus endometrial carcinoma. Review status: no classification provided. Collection method: in vitro. Allele origin: not applicable. Functional consequence: retained intron. Not counted in ClinVar's aggregate classification.

Genome Diagnostics Laboratory, Amsterdam University Medical Center
Classification: Likely benign. Review status: no assertion criteria provided. Collection method: clinical testing. Allele origin: germline. Affected: yes. Study: VKGL Data-share Consensus. Not counted in ClinVar's aggregate classification.